The following is an entry in ClinVar:

NM_001165963.4(SCN1A):c.3809A>C (p.Lys1270Thr)

Genes: SCN1A (sodium voltage-gated channel alpha subunit 1; minus strand), LOC102724058 (uncharacterized LOC102724058; plus strand). Cytogenetic location: 2q24.3.
Variant type: single nucleotide variant.
Coding change: c.3809A>C on transcript NM_001165963.4 (MANE Select); coding-DNA position 3809, A replaced by C.
Protein change: p.Lys1270Thr; replaces lysine 1270 with threonine.
Molecular consequence: missense variant. On other transcripts: non-coding transcript variant (1).
Genome position (GRCh38, 1-based): chr2:166,012,179, T>G on the plus strand (A>C on the coding strand, the complement: SCN1A is on the minus strand). VCF-style: chr2-166012179-T-G. GRCh37 (hg19) VCF-style: chr2-166868689-T-G.
Other names: c.3725A>C, p.Lys1242Thr (NM_001165964.3, NM_001353957.2, NM_001353958.2); c.3809A>C, p.Lys1270Thr (NM_001202435.3, NM_001353948.2); c.3776A>C, p.Lys1259Thr (NM_001353949.2, NM_001353950.2, NM_001353951.2 and 2 more transcripts); c.3773A>C, p.Lys1258Thr (NM_001353954.2, NM_001353955.2); c.3722A>C, p.Lys1241Thr (NM_001353960.2); c.1367A>C, p.Lys456Thr (NM_001353961.2); short protein forms K1270T, K1259T, K456T, K1241T, K1242T, K1258T.
Identifiers: ClinVar variation 12891 (VCV000012891.6), dbSNP rs121918626, ClinGen allele CA256602.

ClinVar aggregate classification (germline): Pathogenic. Review status: criteria provided, multiple submitters, no conflicts (2 of 4 stars). 4 submissions from 4 submitters: Pathogenic (2). 2 of the submissions do not count toward it. Last evaluated 2025-02-20.

Conditions:
Early-infantile DEE. Also called: Early infantile epileptic encephalopathy with suppression bursts; Early infantile epileptic encephalopathy; Ohtahara syndrome. Identifiers: Orphanet 1934, MedGen C0393706, MONDO:0800491.
Inborn genetic diseases. Identifiers: MedGen C0950123, MeSH D030342.
Generalized epilepsy with febrile seizures plus, type 2 (GEFSP2). Also called: GEFS+, TYPE 2. Identifiers: Orphanet 36387, MedGen C1858673, MONDO:0011461, OMIM 604403.
Generalized epilepsy with febrile seizures plus, type 1 (GEFSP1). Also called: GEFS+, TYPE 1. Identifiers: Orphanet 36387, MedGen C1858672, MONDO:0011416, OMIM 604233.

Submissions (4):

Ambry Genetics
Classification: Pathogenic for Inborn genetic diseases. Last evaluated: 2025-02-20. Review status: criteria provided, single submitter. Criteria: Ambry Variant Classification Scheme 2023. Collection method: clinical testing. Allele origin: germline.
Comment: The c.3809A>C (p.K1270T) alteration is located in exon 19 (coding exon 19) of the SCN1A gene. This alteration results from a A to C substitution at nucleotide position 3809, causing the lysine (K) at amino acid position 1270 to be replaced by a threonine (T). for autosomal dominant SCN1A-related seizure disorders; however, its clinical significance for autosomal dominant SCN1A-related hemiplegic migraine is uncertain. This variant was not reported in population-based cohorts in the Genome Aggregation Database (gnomAD). This variant was identified in one or more individuals with features consistent with SCN1A-related seizure disorders and segregated with disease in at least one family (Abou-Khalil, 2001). This amino acid position is highly conserved in available vertebrate species. Animal models expressing this variant exhibited phenotype(s) consistent with SCN1A-related seizure disorders (Das, 2021; Sun, 2012; Schutte, 2014). In multiple assays testing SCN1A function, this variant showed functionally abnormal results (Xie, 2020). This alteration is predicted to be deleterious by in silico analysis. Based on the available evidence, this alteration is classified as pathogenic.

Labcorp Genetics (formerly Invitae), Labcorp
Classification: Pathogenic for Early-infantile DEE. Last evaluated: 2025-01-08. Review status: criteria provided, single submitter. Criteria: Invitae Variant Classification Sherloc (09022015). Collection method: clinical testing. Allele origin: germline.
Comment: This sequence change replaces lysine, which is basic and polar, with threonine, which is neutral and polar, at codon 1270 of the SCN1A protein (p.Lys1270Thr). This variant is not present in population databases (gnomAD no frequency). This missense change has been observed in individual(s) with generalized epilepsy with febrile seizures plus (GEFS+) (PMID: 11756608). It has also been observed to segregate with disease in related individuals. ClinVar contains an entry for this variant (Variation ID: 12891). Invitae Evidence Modeling of protein sequence and biophysical properties (such as structural, functional, and spatial information, amino acid conservation, physicochemical variation, residue mobility, and thermodynamic stability) indicates that this missense variant is expected to disrupt SCN1A protein function with a positive predictive value of 95%. For these reasons, this variant has been classified as Pathogenic.

OMIM
Classification: Pathogenic for GENERALIZED EPILEPSY WITH FEBRILE SEIZURES PLUS, TYPE 2. Last evaluated: 2001-12-26. Review status: no assertion criteria provided. Collection method: literature only. Allele origin: germline. Not counted in ClinVar's aggregate classification.

UniProtKB/Swiss-Prot
No classification provided. Condition: Generalized epilepsy with febrile seizures plus, type 1. Review status: no classification provided. Collection method: not provided. Allele origin: not provided. Not counted in ClinVar's aggregate classification.

Literature cited by the submitters: PubMed 11756608 (cited by 3 submitters); PubMed 23055484 (cited by Ambry Genetics); PubMed 24805083 (cited by Ambry Genetics); PubMed 31786370 (cited by Ambry Genetics); PubMed 33658306 (cited by Ambry Genetics).